The following is an entry in ClinVar:

ClinVar aggregate classification (germline): Likely pathogenic (1 of 4 stars; one submission).

Conditions:
Intellectual developmental disorder, autosomal dominant 6, with or without seizures. Also called: GRIN2B-related developmental delay, intellectual disability and autism spectrum disorder; Intellectual disability, autosomal dominant 6. Identifiers: Orphanet 589547, MedGen C3151411, MONDO:0013509, OMIM 613970.

Submission:

Institute of Human Genetics, University of Leipzig Medical Center
Classification: Likely pathogenic for Intellectual developmental disorder, autosomal dominant 6, with or without seizures. Last evaluated: 2017-04-04. Review status: criteria provided, single submitter. Criteria: ACMG Guidelines, 2015. Collection method: clinical testing. Allele origin: de novo. Affected: yes.
Comment: This variant was identified as de novo (maternity and paternity confirmed).

Literature cited by the submitters: PubMed 28377535.

NM_000834.5(GRIN2B):c.1540A>G (p.Thr514Ala)

Gene: GRIN2B (glutamate ionotropic receptor NMDA type subunit 2B; minus strand). Cytogenetic location: 12p13.1.
Variant type: single nucleotide variant.
Coding change: c.1540A>G on transcript NM_000834.5 (MANE Select); coding-DNA position 1540, A replaced by G.
Protein change: p.Thr514Ala; replaces threonine 514 with alanine.
Molecular consequence: missense variant.
Genome position (GRCh38, 1-based): chr12:13,615,228, T>C on the plus strand (A>G on the coding strand, the complement: GRIN2B is on the minus strand). VCF-style: chr12-13615228-T-C. GRCh37 (hg19) VCF-style: chr12-13768162-T-C.
Other names: short protein forms T514A.
Identifiers: ClinVar variation 916599 (VCV000916599.1), dbSNP rs1949421055, ClinGen allele CA384051921.
Genomic context (GRCh38, chr12:13,615,228, plus strand): 5'-TGCCTGTCTCTATGAAGGGCACAGAGAAGTCGACCACCTCCGATCGTTCCTCATTGATGG[T>C]GAGTGAGCCCACTGCCATGTAGGCCCTCTTCATGACCACCTAAAAGAAAGGCGCGATGCT-3'
Protein context (NP_000825.2, residues 504-524): KRAYMAVGSL[Thr514Ala]INEERSEVVD